The following is an entry in ClinVar:

ClinVar aggregate classification (germline): Benign. Review status: criteria provided, single submitter (1 of 4 stars). 2 submissions from 2 submitters: Benign (1). 1 of the submissions does not count toward it. Last evaluated 2025-10-03.

Conditions:
DIP2C-related disorder. Also called: DIP2C-related condition.

Allele frequency attached by ClinVar (database versions not stated): gnomAD exomes 0.00020; ExAC 0.00026; 1000 Genomes Project 0.00060; 1000 Genomes Project 30x 0.00062; gnomAD 0.00066 and 0.00075; TOPMed 0.00090; ESP Exome Variant Server 0.00092.
gnomAD v4.1: 227 of 1,613,108 alleles (0.014%); highest among the groups gnomAD compares: African/African-American, 0.28%; 1 homozygote.

Submissions (2):

Labcorp Genetics (formerly Invitae), Labcorp
Classification: Benign. Last evaluated: 2025-10-03. Review status: criteria provided, single submitter. Criteria: Invitae Variant Classification Sherloc (09022015). Collection method: clinical testing. Allele origin: germline.

PreventionGenetics, part of Exact Sciences
Classification: Likely benign for DIP2C-related condition. Last evaluated: 2019-10-28. Review status: no assertion criteria provided. Collection method: clinical testing. Allele origin: germline. Not counted in ClinVar's aggregate classification.
Comment: This variant is classified as likely benign based on ACMG/AMP sequence variant interpretation guidelines (Richards et al. 2015 PMID: 25741868, with internal and published modifications).

NM_014974.3(DIP2C):c.4294+7G>T

Gene: DIP2C (DIP2 acetate--CoA ligase C (putative); minus strand). Cytogenetic location: 10p15.3.
Variant type: single nucleotide variant.
Coding change: c.4294+7G>T on transcript NM_014974.3 (MANE Select); 7 bases into the intron after coding-DNA position 4294, G replaced by T.
Molecular consequence: intron variant.
Genome position (GRCh38, 1-based): chr10:283,265, C>A on the plus strand (G>T on the coding strand, the complement: DIP2C is on the minus strand). VCF-style: chr10-283265-C-A. GRCh37 (hg19) VCF-style: chr10-329205-C-A.
Other names: c.4294+7G>T (NM_014974.2).
Identifiers: ClinVar variation 1600373 (VCV001600373.10), dbSNP rs201616323, ClinGen allele CA5379494.
Genomic context (GRCh38, chr10:283,265, plus strand): 5'-CTGTATCTACAGGAGCCTAACCTCTCTGCCCATCTGTTGGGGGGGGGCCGCCAGCCTGGA[C>A]TCTCACCTCCATTTGCATCTGTGAGCTCAGTTCTCCGCAGGAACCCCAAGTAGCCTGTGC-3'